The following is an entry in ClinVar:

ClinVar aggregate classification (germline): Uncertain significance (1 of 4 stars; one submission).

Submission:

GeneDx
Classification: Uncertain significance. Last evaluated: 2019-09-13. Review status: criteria provided, single submitter. Criteria: GeneDx Variant Classification Process June 2021. Collection method: clinical testing. Allele origin: germline. Affected: yes.
Comment: Has not been previously published as pathogenic or benign to our knowledge; Not observed in large population cohorts (Lek et al., 2016); In silico analysis, which includes protein predictors and evolutionary conservation, supports a deleterious effect

NM_000338.3(SLC12A1):c.2882C>T (p.Ser961Phe)

Gene: SLC12A1 (solute carrier family 12 member 1; plus strand). Cytogenetic location: 15q21.1.
Variant type: single nucleotide variant.
Coding change: c.2882C>T on transcript NM_000338.3 (MANE Select); coding-DNA position 2882, C replaced by T.
Protein change: p.Ser961Phe; replaces serine 961 with phenylalanine.
Molecular consequence: missense variant.
Genome position (GRCh38, 1-based): chr15:48,291,786, C>T. VCF-style: chr15-48291786-C-T. GRCh37 (hg19) VCF-style: chr15-48583983-C-T.
Other names: c.2882C>T, p.Ser961Phe (NM_001184832.2, NM_001384136.1); short protein forms S961F.
Identifiers: ClinVar variation 1312086 (VCV001312086.2), dbSNP rs1200068900, ClinGen allele CA392319447.